The following is an entry in ClinVar:

NM_006306.4(SMC1A):c.2131C>T (p.Arg711Trp)

Gene: SMC1A (structural maintenance of chromosomes 1A; minus strand). Cytogenetic location: Xp11.22.
Variant type: single nucleotide variant.
Coding change: c.2131C>T on transcript NM_006306.4 (MANE Select); coding-DNA position 2131, C replaced by T.
Protein change: p.Arg711Trp; replaces arginine 711 with tryptophan.
Molecular consequence: missense variant.
Genome position (GRCh38, 1-based): chrX:53,405,077, G>A on the plus strand (C>T on the coding strand, the complement: SMC1A is on the minus strand). VCF-style: chrX-53405077-G-A. GRCh37 (hg19) VCF-style: chrX-53432009-G-A.
Other names: c.2065C>T, p.Arg689Trp (NM_001281463.1); short protein forms R711W, R689W.
Identifiers: ClinVar variation 159947 (VCV000159947.21), dbSNP rs587784409, ClinGen allele CA272536.
Genomic context (GRCh38, chrX:53,405,077, plus strand): 5'-GATTCAGGGCTAGATGTCGTGTCTTGGTCTGTTCTAGGTCACTCTGGGAGTACTTGAGCC[G>A]CATCTGCAGTCCATGGGCCTGAGACTGCACCTGACGCAGCTCTGCCTCTTTCCGTTTTGC-3'
Protein context (NP_006297.2, residues 701-721): VQSQAHGLQM[Arg711Trp]LKYSQSDLEQ

ClinVar aggregate classification (germline): Pathogenic/Likely pathogenic. Review status: criteria provided, multiple submitters, no conflicts (2 of 4 stars). 4 submissions from 4 submitters: Pathogenic (3); Likely pathogenic (1). Last evaluated 2023-01-05.

Conditions:
Congenital muscular hypertrophy-cerebral syndrome (CDLS2). Also called: SMC1A-Related Cornelia de Lange Syndrome; Cornelia de Lange syndrome 2. Identifiers: Orphanet 199, MedGen C1802395, MONDO:0010370, OMIM 300590.
Developmental and epileptic encephalopathy, 85, with or without midline brain defects. Also called: EPILEPTIC ENCEPHALOPATHY, EARLY INFANTILE, 85, WITH OR WITHOUT MIDLINE BRAIN DEFECTS. Identifiers: MedGen C5393312, MONDO:0026771, OMIM 301044.

Allele frequency attached by ClinVar (database versions not stated): ExAC 0.00006.

Submissions (4):

GeneDx
Classification: Pathogenic. Last evaluated: 2023-01-05. Review status: criteria provided, single submitter. Criteria: GeneDx Variant Classification Process June 2021. Collection method: clinical testing. Allele origin: germline. Affected: yes.
Comment: Not observed at significant frequency in large population cohorts (gnomAD); Missense variants in this gene are often considered pathogenic (HGMD); In silico analysis supports that this missense variant has a deleterious effect on protein structure/function; This variant is associated with the following publications: (PMID: 19262687, 28548707, 17273969, 19701948, 28835994)

Fulgent Genetics
Classification: Likely pathogenic for Congenital muscular hypertrophy-cerebral syndrome; Developmental and epileptic encephalopathy, 85, with or without midline brain defects. Last evaluated: 2022-05-22. Review status: criteria provided, single submitter. Criteria: ACMG Guidelines, 2015. Collection method: clinical testing. Allele origin: unknown.

Labcorp Genetics (formerly Invitae), Labcorp
Classification: Pathogenic for Congenital muscular hypertrophy-cerebral syndrome. Last evaluated: 2019-11-28. Review status: criteria provided, single submitter. Criteria: Invitae Variant Classification Sherloc (09022015). Collection method: clinical testing. Allele origin: germline.
Comment: This variant is present in population databases (rs587784409, ExAC 0.02%). This sequence change replaces arginine with tryptophan at codon 711 of the SMC1A protein (p.Arg711Trp). The arginine residue is highly conserved and there is a moderate physicochemical difference between arginine and tryptophan. For these reasons, this variant has been classified as Pathogenic. This variant disrupts the p.Arg711 amino acid residue in SMC1A. Other variant(s) that disrupt this residue have been observed in individuals with SMC1A-related conditions (PMID: 20358602), which suggests that this may be a clinically significant amino acid residue. Advanced modeling of protein sequence and biophysical properties (such as structural, functional, and spatial information, amino acid conservation, physicochemical variation, residue mobility, and thermodynamic stability) performed at Invitae indicates that this missense variant is expected to disrupt SMC1A protein function. This variant has been observed in individual(s) with Cornelia de Lange syndrome (PMID: 17273969, 19701948). In at least one individual the variant was observed to be de novo. ClinVar contains an entry for this variant (Variation ID: 159947).

Genetic Services Laboratory, University of Chicago
Classification: Pathogenic for Cornelia de Lange syndrome 2. Last evaluated: 2013-02-08. Review status: criteria provided, single submitter. Criteria: ACMG Guidelines, 2007. Collection method: clinical testing. Allele origin: germline. Inheritance: X-linked inheritance. Affected: yes.

Literature cited by the submitters: PubMed 20358602 (cited by Labcorp Genetics (formerly Invitae), Labcorp); PubMed 17273969 (cited by Labcorp Genetics (formerly Invitae), Labcorp); PubMed 19701948 (cited by Labcorp Genetics (formerly Invitae), Labcorp).